The following is an entry in ClinVar:

NM_001083962.2(TCF4):c.655+54C>T

Gene: TCF4 (transcription factor 4; minus strand). Cytogenetic location: 18q21.2.
Variant type: single nucleotide variant.
Coding change: c.655+54C>T on transcript NM_001083962.2 (MANE Select); 54 bases into the intron after coding-DNA position 655, C replaced by T.
Molecular consequence: intron variant.
Genome position (GRCh38, 1-based): chr18:55,279,497, G>A on the plus strand (C>T on the coding strand, the complement: TCF4 is on the minus strand). VCF-style: chr18-55279497-G-A. GRCh37 (hg19) VCF-style: chr18-52946728-G-A.
Other names: c.580+54C>T (NM_001369585.1, NM_001369578.1, NM_001369581.1 and 3 more transcripts); c.583+54C>T (NM_001369579.1, NM_001369583.1, NM_001369575.1 and 9 more transcripts); c.652+54C>T (NM_001369573.1, NM_001369570.1, NM_001369569.1); c.655+54C>T (NM_001369574.1, NM_001330604.3, NM_003199.3 and 4 more transcripts); c.529+54C>T (NM_001243231.2, NM_001348211.2); c.265+54C>T (NM_001348212.2, NM_001348213.2, NM_001243233.2 and 1 more transcripts); c.175+54C>T (NM_001348214.2, NM_001243235.2, NM_001243234.2 and 2 more transcripts); c.7+54C>T (NM_001348215.2); and 4 more.
Identifiers: ClinVar variation 2576080 (VCV002576080.1), dbSNP rs2512770844, ClinGen allele CA2580613002.

ClinVar aggregate classification (germline): Uncertain significance (1 of 4 stars; one submission).

Allele frequency attached by ClinVar (database versions not stated): gnomAD exomes below 0.00001.
gnomAD v4.1: 2 of 1,611,968 alleles (0.00012%); highest among the groups gnomAD compares: Non-Finnish European, 0.00017%; no homozygotes.

Submission:

Institute for Clinical Genetics, University Hospital TU Dresden, University Hospital TU Dresden
Classification: Uncertain significance. Last evaluated: 2023-02-17. Review status: criteria provided, single submitter. Criteria: ACMG Guidelines, 2015. Collection method: clinical testing. Allele origin: germline.
Comment: PM2_SUP